The following is an entry in ClinVar:

ClinVar aggregate classification (germline): Uncertain significance. Review status: criteria provided, multiple submitters, no conflicts (2 of 4 stars). 2 submissions from 2 submitters: Uncertain significance (2). Last evaluated 2023-03-14.

Conditions:
Autosomal dominant hypocalcemia 1 (HYPOC1). Also called: HYPOCALCEMIA, FAMILIAL. Identifiers: MedGen C3715128, MONDO:0011013, OMIM 601198.
Familial hypocalciuric hypercalcemia (FHH). Also called: Familial benign hypercalcemia. Identifiers: Orphanet 405, MedGen C1809471, MONDO:0018458.
Nephrolithiasis/nephrocalcinosis. Identifiers: MedGen CN580796.

gnomAD v4.1: 1 of 1,614,074 alleles (0.000062%); highest among the groups gnomAD compares: Non-Finnish European, 0.000085%; no homozygotes.

Submissions (2):

Ambry Genetics
Classification: Uncertain significance for Nephrolithiasis/nephrocalcinosis. Last evaluated: 2023-03-14. Review status: criteria provided, single submitter. Criteria: Ambry Variant Classification Scheme 2023. Collection method: clinical testing. Allele origin: germline.
Comment: The p.T609R variant (also known as c.1826C>G), located in coding exon 6 of the CASR gene, results from a C to G substitution at nucleotide position 1826. The threonine at codon 609 is replaced by arginine, an amino acid with similar properties. This amino acid position is conserved. In addition, the in silico prediction for this alteration is inconclusive. Since supporting evidence is limited at this time, the clinical significance of this alteration remains unclear.

Labcorp Genetics (formerly Invitae), Labcorp
Classification: Uncertain significance for Familial hypocalciuric hypercalcemia; Autosomal dominant hypocalcemia 1. Last evaluated: 2021-10-17. Review status: criteria provided, single submitter. Criteria: Invitae Variant Classification Sherloc (09022015). Collection method: clinical testing. Allele origin: germline.
Comment: In summary, the available evidence is currently insufficient to determine the role of this variant in disease. Therefore, it has been classified as a Variant of Uncertain Significance. Algorithms developed to predict the effect of missense changes on protein structure and function are either unavailable or do not agree on the potential impact of this missense change (SIFT: "Deleterious"; PolyPhen-2: "Benign"; Align-GVGD: "Class C15"). This variant has not been reported in the literature in individuals affected with CASR-related conditions. This variant is not present in population databases (ExAC no frequency). This sequence change replaces threonine with arginine at codon 609 of the CASR protein (p.Thr609Arg). The threonine residue is highly conserved and there is a moderate physicochemical difference between threonine and arginine.

NM_000388.4(CASR):c.1826C>G (p.Thr609Arg)

Gene: CASR (calcium sensing receptor; plus strand). Cytogenetic location: 3q21.1.
Variant type: single nucleotide variant.
Coding change: c.1826C>G on transcript NM_000388.4 (MANE Select); coding-DNA position 1826, C replaced by G.
Protein change: p.Thr609Arg; replaces threonine 609 with arginine.
Molecular consequence: missense variant.
Genome position (GRCh38, 1-based): chr3:122,283,780, C>G. VCF-style: chr3-122283780-C-G. GRCh37 (hg19) VCF-style: chr3-122002627-C-G.
Other names: c.1856C>G, p.Thr619Arg (NM_001178065.2); short protein forms T609R, T619R.
Identifiers: ClinVar variation 643948 (VCV000643948.10), dbSNP rs759904153, ClinGen allele CA354157510.